The following is an entry in ClinVar:

ClinVar aggregate classification (germline): Benign. Review status: reviewed by expert panel (3 of 4 stars). 22 submissions from 22 submitters: Benign (1). 21 of the submissions do not count toward it. Last evaluated 2025-05-23.

Conditions:
Malignant tumor of breast. Also called: Cancer breast; Malignant breast neoplasm. Identifiers: MedGen C0006142, MONDO:0007254. Disease mechanism: loss of function.
Ovarian cancer. Also called: OVARIAN CANCER, SOMATIC. Identifiers: Orphanet 213500, MedGen C1140680, MONDO:0008170, OMIM 167000.
Familial cancer of breast. Also called: hereditary breast carcinoma; BREAST CANCER, FAMILIAL; Hereditary breast cancer. Identifiers: Orphanet 227535, MedGen C0346153, MONDO:0016419, OMIM 114480. Disease mechanism: loss of function.
Malignant tumor of pancreas. Also called: Cancer of the pancreas; Malignant pancreatic neoplasm; Pancreatic cancer. Identifiers: MedGen C0346647, MONDO:0009831.
Hereditary cancer-predisposing syndrome. Also called: Hereditary Cancer Syndrome; Hereditary neoplastic syndrome; Neoplastic Syndromes, Hereditary; Tumor predisposition. Identifiers: Orphanet 140162, MedGen C0027672, MeSH D009386, MONDO:0015356.
BRCA1-related cancer predisposition. Identifiers: MedGen CN377757, MONDO:0700268.
Hereditary breast ovarian cancer syndrome. Also called: BRCA1- and BRCA2-Associated Hereditary Breast and Ovarian Cancer; Hereditary breast and ovarian cancer syndrome; Hereditary breast and ovarian cancer syndrome (HBOC); Breast and ovarian cancer; Hereditary breast and/or ovarian cancer syndrome; Hereditary breast and ovarian cancer. Identifiers: Orphanet 145, MedGen C0677776, MeSH D061325, MONDO:0003582. Disease mechanism: loss of function.
Breast-ovarian cancer, familial, susceptibility to, 1 (BROVCA1). Also called: BRCA1 Hereditary Breast and Ovarian Cancer; OVARIAN CANCER, SUSCEPTIBILITY TO. Identifiers: Orphanet 145, MedGen C2676676, MONDO:0011450, OMIM 604370. Disease mechanism: loss of function.

Allele frequency attached by ClinVar (database versions not stated): TOPMed 0.00009; 1000 Genomes Project 30x 0.00016; gnomAD 0.00003 and 0.00004; ExAC 0.00010; 1000 Genomes Project 0.00020.
gnomAD v4.1: 88 of 1,611,680 alleles (0.0055%); highest among the groups gnomAD compares: East Asian, 0.2%; no homozygotes.

Submissions 1 to 12 of 22:

ClinGen ENIGMA BRCA1 and BRCA2 Variant Curation Expert Panel, ClinGen
Classification: Benign for BRCA1-related cancer predisposition. Last evaluated: 2025-05-23. Review status: reviewed by expert panel. Criteria: CSpec BRCA1/2ACMG Rules Specifications V1.2. Collection method: curation. Allele origin: germline. Inheritance: Autosomal dominant inheritance.
Comment: The c.811G>A variant in BRCA1 is a missense variant predicted to cause substitution of valine by methionine at amino acid 271 (p.Val271Met). The highest non-founder population filter allele frequency in gnomAD v4.1 (read depth ≥20) is 0.001630 in the East Asian population, which is above the ENIGMA BRCA1/2 VCEP threshold (>0.001) for BA1 (BA1 met). This missense variant is located outside of a key functional domain and was not predicted to alter mRNA splicing using SpliceAI (score 0.03, score threshold <0.1) (BP1_Strong met). Reported by one calibrated study to exhibit protein function similar to benign control variants (PMID:32546644) (BS3 met). In summary, this variant meets the criteria to be classified as a Benign variant for BRCA1-related cancer predisposition based on the ACMG/AMP criteria applied as specified by the ENIGMA BRCA1/2 VCEP (BA1, BP1_Strong, BS3).

Labcorp Genetics (formerly Invitae), Labcorp
Classification: Benign for Hereditary breast ovarian cancer syndrome. Last evaluated: 2026-01-31. Review status: criteria provided, single submitter. Criteria: Invitae Variant Classification Sherloc (09022015). Collection method: clinical testing. Allele origin: germline. Not counted in ClinVar's aggregate classification.

Center for Genomic Medicine, Rigshospitalet, Copenhagen University Hospital
Classification: Benign. Last evaluated: 2025-03-04. Review status: criteria provided, single submitter. Criteria: ACMG Guidelines, 2015. Collection method: clinical testing. Allele origin: germline. Not counted in ClinVar's aggregate classification.

All of Us Research Program, National Institutes of Health
Classification: Likely benign for BRCA1-related cancer predisposition. Last evaluated: 2024-06-11. Review status: criteria provided, single submitter. Criteria: ACMG Guidelines, 2015. Collection method: clinical testing. Allele origin: germline. Inheritance: Autosomal dominant inheritance. Observed: 3 variant alleles, 3 heterozygotes. Not counted in ClinVar's aggregate classification.
Comment: This study involves interpretation of variants in research participants for the purpose of population health screening. Participant phenotype was not available at the time of variant classification. Additional details can be found in publication PMID: 35346344, PMCID: PMC8962531

University of Washington Department of Laboratory Medicine, University of Washington
Classification: Likely benign for Hereditary cancer-predisposing syndrome. Last evaluated: 2023-03-23. Review status: criteria provided, single submitter. Criteria: Dines et al. (Genet Med. 2020). Collection method: curation. Allele origin: germline. Not counted in ClinVar's aggregate classification.
Comment: Missense variant in a coldspot region where missense variants are very unlikely to be pathogenic (PMID:31911673).

BRCA1 coldspot (exon 11 using historical exon numbering). Reclassification based on statistical prior probability

Quest Diagnostics Nichols Institute San Juan Capistrano
Classification: Benign. Last evaluated: 2022-01-21. Review status: criteria provided, single submitter. Criteria: Quest Diagnostics criteria. Collection method: clinical testing. Allele origin: unknown. Not counted in ClinVar's aggregate classification.

Sema4
Classification: Likely benign for Hereditary cancer-predisposing syndrome. Last evaluated: 2022-01-06. Review status: criteria provided, single submitter. Criteria: Sema4 Curation Guidelines. Collection method: curation. Allele origin: germline. Not counted in ClinVar's aggregate classification.

Genetic Services Laboratory, University of Chicago
Classification: Likely benign. Last evaluated: 2021-12-22. Review status: criteria provided, single submitter. Criteria: ACMG Guidelines, 2015. Collection method: clinical testing. Allele origin: germline. Affected: no. Not counted in ClinVar's aggregate classification.

Women's Health and Genetics/Laboratory Corporation of America, LabCorp
Classification: Benign. Last evaluated: 2021-12-02. Review status: criteria provided, single submitter. Criteria: LabCorp Variant Classification Summary - May 2015. Collection method: clinical testing. Allele origin: germline. Not counted in ClinVar's aggregate classification.
Comment: Variant summary: BRCA1 c.811G>A (p.Val271Met) results in a conservative amino acid change in the encoded protein sequence. Four of five in-silico tools predict a benign effect of the variant on protein function. The variant allele was found at a frequency of 0.00056 in 316878 control chromosomes, predominantly at a frequency of 0.0013 within the East Asian subpopulation in the gnomAD database. The observed variant frequency within East Asian control individuals in the gnomAD database is approximately 1.3 fold of the estimated maximal expected allele frequency for a pathogenic variant in BRCA1 causing Hereditary Breast And Ovarian Cancer Syndrome phenotype (0.001), strongly suggesting that the variant is a benign polymorphism found primarily in populations of East Asian origin. c.811G>A has been reported in the literature in individuals affected with Hereditary Breast And Ovarian Cancer Syndrome (example: Judkins_2005, Kim_2006, Han_2006, Yoshikawa_1999, Katagiri_1996, Chao_2016, Fernandes_2016, Ryu_2017, Chan_2018, Momozawa_2018, Ohmoto_2018, Emi_1998, Hirotsu_2015, Kim_2021, Nakagomi_2018), however these data do not allow any conclusion about variant significance. At least two publications report experimental evidence evaluating an impact on protein function (Yoshikawa_1999, Starita_2015). These results showed no damaging effect of this variant (Starita_2015). Twelve ClinVar submitters have assessed this variant after 2014: one classified it as a variant of uncertain significance, eight as likely benign, and 3 as benign. Based on the evidence outlined above, the variant was classified as benign.

Mendelics
Classification: Benign for Breast-ovarian cancer, familial, susceptibility to, 1. Last evaluated: 2019-05-28. Review status: criteria provided, single submitter. Criteria: Mendelics Assertion Criteria 2017. Collection method: clinical testing. Allele origin: unknown. Not counted in ClinVar's aggregate classification.

Ambry Genetics
Classification: Likely benign for Hereditary cancer-predisposing syndrome. Last evaluated: 2018-11-16. Review status: criteria provided, single submitter. Criteria: Ambry Variant Classification Scheme 2023. Collection method: clinical testing. Allele origin: germline. Not counted in ClinVar's aggregate classification.

GeneDx
Classification: Likely benign. Last evaluated: 2018-01-25. Review status: criteria provided, single submitter. Criteria: GeneDx Variant Classification (06012015). Collection method: clinical testing. Allele origin: germline. Affected: yes. Not counted in ClinVar's aggregate classification.
Comment: This variant is considered likely benign or benign based on one or more of the following criteria: it is a conservative change, it occurs at a poorly conserved position in the protein, it is predicted to be benign by multiple in silico algorithms, and/or has population frequency not consistent with disease.

NM_007294.4(BRCA1):c.811G>A (p.Val271Met)

Gene: BRCA1 (BRCA1 DNA repair associated; minus strand). Cytogenetic location: 17q21.31.
Variant type: single nucleotide variant.
Coding change: c.811G>A on transcript NM_007294.4 (MANE Select); coding-DNA position 811, G replaced by A.
Protein change: p.Val271Met; replaces valine 271 with methionine.
Molecular consequence: missense variant. On other transcripts: intron variant (137), 5 prime UTR variant (2).
Genome position (GRCh38, 1-based): chr17:43,094,720, C>T on the plus strand (G>A on the coding strand, the complement: BRCA1 is on the minus strand). VCF-style: chr17-43094720-C-T. GRCh37 (hg19) VCF-style: chr17-41246737-C-T.
Other names: p.V271M:GTG>ATG; NM_007294.4(BRCA1):c.811G>A; c.643+24G>A (NM_001408470.1, NM_001408464.1, NM_001408468.1 and 3 more transcripts); c.646+24G>A (NM_001408469.1, NM_001408453.1, NM_001408461.1 and 11 more transcripts); c.784+24G>A (NM_001408397.1, NM_001408401.1, NM_001408396.1 and 13 more transcripts); c.664+24G>A (NM_001408436.1, NM_001408444.1, NM_001408438.1 and 12 more transcripts); c.787+24G>A (NM_001407980.1, NM_001407993.1, NM_001407976.1 and 19 more transcripts); c.652+24G>A (NM_001408451.1); and 42 more; short protein forms V271M, V224M, V103M, V159M, V183M, V200M, V201M, V230M.
Identifiers: ClinVar variation 55720 (VCV000055720.40), dbSNP rs80357244, ClinGen allele CA003905.
Genomic context (GRCh38, chr17:43,094,720, plus strand): 5'-ATAAACTGCTGTTCTCATGCTGTAATGAGCTGGCATGAGTATTTGTGCCACATGGCTCCA[C>T]ATGCAAGTTTGAAACAGAACTACCCTGATACTTTTCTGGATGCCTCTCAGCTGCACGCTT-3'
Protein context (NP_009225.1, residues 261-281): YQGSSVSNLH[Val271Met]EPCGTNTHAS